The following is an entry in ClinVar:

ClinVar aggregate classification (germline): Conflicting classifications of pathogenicity. Review status: criteria provided, conflicting classifications (1 of 4 stars). 2 submissions from 2 submitters: Uncertain significance (1); Likely benign (1). Last evaluated 2022-06-10.

Conditions:
Inborn genetic diseases. Identifiers: MedGen C0950123, MeSH D030342.

Allele frequency attached by ClinVar (database versions not stated): gnomAD 0.00002; gnomAD exomes 0.00002; TOPMed 0.00005; ExAC 0.00006.
gnomAD v4.1: 29 of 1,613,740 alleles (0.0018%); highest among the groups gnomAD compares: East Asian, 0.033%; no homozygotes.

Submissions (2):

Ambry Genetics
Classification: Likely benign for Inborn genetic diseases. Last evaluated: 2022-06-10. Review status: criteria provided, single submitter. Criteria: Ambry Variant Classification Scheme 2023. Collection method: clinical testing. Allele origin: germline.

Labcorp Genetics (formerly Invitae), Labcorp
Classification: Uncertain significance. Last evaluated: 2022-06-10. Review status: criteria provided, single submitter. Criteria: Invitae Variant Classification Sherloc (09022015). Collection method: clinical testing. Allele origin: germline.
Comment: In summary, the available evidence is currently insufficient to determine the role of this variant in disease. Therefore, it has been classified as a Variant of Uncertain Significance. Experimental studies and prediction algorithms are not available or were not evaluated, and the functional significance of this variant is currently unknown. This variant has not been reported in the literature in individuals affected with MAGEL2-related conditions. This variant is present in population databases (rs764155137, gnomAD 0.07%), and has an allele count higher than expected for a pathogenic variant. This sequence change replaces arginine, which is basic and polar, with cysteine, which is neutral and slightly polar, at codon 880 of the MAGEL2 protein (p.Arg880Cys).

NM_019066.5(MAGEL2):c.2638C>T (p.Arg880Cys)

Gene: MAGEL2 (MAGE family member L2; minus strand). Cytogenetic location: 15q11.2.
Variant type: single nucleotide variant.
Coding change: c.2638C>T on transcript NM_019066.5 (MANE Select); coding-DNA position 2638, C replaced by T.
Protein change: p.Arg880Cys; replaces arginine 880 with cysteine.
Molecular consequence: missense variant.
Genome position (GRCh38, 1-based): chr15:23,645,105, G>A on the plus strand (C>T on the coding strand, the complement: MAGEL2 is on the minus strand). VCF-style: chr15-23645105-G-A. GRCh37 (hg19) VCF-style: chr15-23890252-G-A.
Other names: c.2638C>T (NM_019066.4); short protein forms R880C.
Identifiers: ClinVar variation 2168958 (VCV002168958.5), dbSNP rs764155137, ClinGen allele CA7429855.